The following is an entry in ClinVar:

ClinVar aggregate classification (germline): Likely benign (0 of 4 stars; one submission).

Conditions:
ACTG2-related disorder. Also called: ACTG2-related condition.

Allele frequency attached by ClinVar (database versions not stated): gnomAD 0.00002; gnomAD exomes 0.00002; ExAC 0.00003; TOPMed 0.00004; ESP Exome Variant Server 0.00008.
gnomAD v4.1: 27 of 1,614,098 alleles (0.0017%); highest among the groups gnomAD compares: African/African-American, 0.0093%; no homozygotes.

Submission:

PreventionGenetics, part of Exact Sciences
Classification: Likely benign for ACTG2-related condition. Last evaluated: 2022-08-22. Review status: no assertion criteria provided. Collection method: clinical testing. Allele origin: germline.
Comment: This variant is classified as likely benign based on ACMG/AMP sequence variant interpretation guidelines (Richards et al. 2015 PMID: 25741868, with internal and published modifications).

NM_001615.4(ACTG2):c.222C>T (p.His74=)

Gene: ACTG2 (actin gamma 2, smooth muscle; plus strand). Cytogenetic location: 2p13.1.
Variant type: single nucleotide variant.
Coding change: c.222C>T on transcript NM_001615.4 (MANE Select); coding-DNA position 222, C replaced by T.
Protein change: p.His74=; no amino-acid change (histidine 74 retained).
Molecular consequence: synonymous variant. On other transcripts: intron variant (1).
Genome position (GRCh38, 1-based): chr2:73,902,455, C>T. VCF-style: chr2-73902455-C-T. GRCh37 (hg19) VCF-style: chr2-74129582-C-T.
Other names: c.126+1018C>T (NM_001199893.2).
Identifiers: ClinVar variation 3030932 (VCV003030932.2), dbSNP rs149132468, ClinGen allele CA1717854.